The following is an entry in ClinVar:

ClinVar aggregate classification (germline): Uncertain significance. Review status: criteria provided, multiple submitters, no conflicts (2 of 4 stars). 3 submissions from 3 submitters: Uncertain significance (3). Last evaluated 2025-05-15.

Conditions:
Hyperparathyroidism 4 (HRPT4). Identifiers: MedGen C4479229, MONDO:0024570, OMIM 617343.
Hypoparathyroidism, familial isolated, 2. Identifiers: MedGen C5394383, MONDO:0020798, OMIM 618883.
Inborn genetic diseases. Identifiers: MedGen C0950123, MeSH D030342.

Allele frequency attached by ClinVar (database versions not stated): gnomAD exomes 0.00002; ExAC 0.00007; gnomAD 0.00021; ESP Exome Variant Server 0.00023; TOPMed 0.00028; 1000 Genomes Project 0.00060; 1000 Genomes Project 30x 0.00094.
gnomAD v4.1: 58 of 1,614,108 alleles (0.0036%); highest among the groups gnomAD compares: African/African-American, 0.068%; no homozygotes.

Submissions (3):

Ambry Genetics
Classification: Uncertain significance for Inborn genetic diseases. Last evaluated: 2025-05-15. Review status: criteria provided, single submitter. Criteria: Ambry Variant Classification Scheme 2023. Collection method: clinical testing. Allele origin: germline.

Labcorp Genetics (formerly Invitae), Labcorp
Classification: Uncertain significance. Last evaluated: 2025-03-05. Review status: criteria provided, single submitter. Criteria: Invitae Variant Classification Sherloc (09022015). Collection method: clinical testing. Allele origin: germline.
Comment: This sequence change replaces valine, which is neutral and non-polar, with alanine, which is neutral and non-polar, at codon 495 of the GCM2 protein (p.Val495Ala). This variant is present in population databases (rs115181672, gnomAD 0.07%). This variant has not been reported in the literature in individuals affected with GCM2-related conditions. ClinVar contains an entry for this variant (Variation ID: 2286665). An algorithm developed to predict the effect of missense changes on protein structure and function outputs the following: PolyPhen-2: "Benign". The alanine amino acid residue is found in multiple mammalian species, which suggests that this missense change does not adversely affect protein function. In summary, the available evidence is currently insufficient to determine the role of this variant in disease. Therefore, it has been classified as a Variant of Uncertain Significance.

Fulgent Genetics
Classification: Uncertain significance for Hyperparathyroidism 4; Hypoparathyroidism, familial isolated, 2. Last evaluated: 2024-03-20. Review status: criteria provided, single submitter. Criteria: ACMG Guidelines, 2015. Collection method: clinical testing. Allele origin: germline.

NM_004752.4(GCM2):c.1484T>C (p.Val495Ala)

Gene: GCM2 (glial cells missing transcription factor 2; minus strand). Cytogenetic location: 6p24.2.
Variant type: single nucleotide variant.
Coding change: c.1484T>C on transcript NM_004752.4 (MANE Select); coding-DNA position 1484, T replaced by C.
Protein change: p.Val495Ala; replaces valine 495 with alanine.
Molecular consequence: missense variant.
Genome position (GRCh38, 1-based): chr6:10,874,032, A>G on the plus strand (T>C on the coding strand, the complement: GCM2 is on the minus strand). VCF-style: chr6-10874032-A-G. GRCh37 (hg19) VCF-style: chr6-10874265-A-G.
Other names: short protein forms V495A.
Identifiers: ClinVar variation 2286665 (VCV002286665.5), dbSNP rs115181672, ClinGen allele CA3633874.